The following is an entry in ClinVar:

ClinVar aggregate classification (germline): Uncertain significance (1 of 4 stars; one submission).

Allele frequency attached by ClinVar (database versions not stated): ExAC 0.00002; gnomAD exomes 0.00002; gnomAD 0.00003; TOPMed 0.00003; ESP Exome Variant Server 0.00008.
gnomAD v4.1: 16 of 1,613,970 alleles (0.00099%); highest among the groups gnomAD compares: East Asian, 0.0022%; no homozygotes.

Submission:

Labcorp Genetics (formerly Invitae), Labcorp
Classification: Uncertain significance. Last evaluated: 2025-07-05. Review status: criteria provided, single submitter. Criteria: Invitae Variant Classification Sherloc (09022015). Collection method: clinical testing. Allele origin: germline.
Comment: This sequence change replaces aspartic acid, which is acidic and polar, with glutamic acid, which is acidic and polar, at codon 602 of the LIFR protein (p.Asp602Glu). This variant is present in population databases (rs145286888, gnomAD 0.003%). This variant has not been reported in the literature in individuals affected with LIFR-related conditions. ClinVar contains an entry for this variant (Variation ID: 1415795). An algorithm developed to predict the effect of missense changes on protein structure and function (PolyPhen-2) suggests that this variant is likely to be tolerated. In summary, the available evidence is currently insufficient to determine the role of this variant in disease. Therefore, it has been classified as a Variant of Uncertain Significance.

NM_001127671.2(LIFR):c.1806C>A (p.Asp602Glu)

Gene: LIFR (LIF receptor subunit alpha; minus strand). Cytogenetic location: 5p13.1.
Variant type: single nucleotide variant.
Coding change: c.1806C>A on transcript NM_001127671.2 (MANE Select); coding-DNA position 1806, C replaced by A.
Protein change: p.Asp602Glu; replaces aspartic acid 602 with glutamic acid.
Molecular consequence: missense variant.
Genome position (GRCh38, 1-based): chr5:38,496,461, G>T on the plus strand (C>A on the coding strand, the complement: LIFR is on the minus strand). VCF-style: chr5-38496461-G-T. GRCh37 (hg19) VCF-style: chr5-38496563-G-T.
Other names: c.1806C>A, p.Asp602Glu (NM_001364297.2, NM_001364298.2, NM_002310.6); short protein forms D602E.
Identifiers: ClinVar variation 1415795 (VCV001415795.4), dbSNP rs145286888, ClinGen allele CA3242835.
Genomic context (GRCh38, chr5:38,496,461, plus strand): 5'-CGCTATTTTGGAAGGTGGTGATGAGCCCACAGAATTTTTAGCCACTACGCTGATGATGTA[G>T]TCATTCTTATCAAGTCGTATCTCTGCTTTGTGCTGAGGATCAGGGATTTCAGAAAGGGAC-3'
Protein context (NP_001121143.1, residues 592-612): HKAEIRLDKN[Asp602Glu]YIISVVAKNS